The following is an entry in ClinVar:

ClinVar aggregate classification (germline): Conflicting classifications of pathogenicity. Review status: criteria provided, conflicting classifications (1 of 4 stars). 4 submissions from 4 submitters: Uncertain significance (3); Likely benign (1). Last evaluated 2025-10-20.

Conditions:
Hereditary cancer-predisposing syndrome. Also called: Neoplastic Syndromes, Hereditary; Hereditary Cancer Syndrome; Hereditary neoplastic syndrome; Tumor predisposition. Identifiers: Orphanet 140162, MedGen C0027672, MeSH D009386, MONDO:0015356.
Hereditary diffuse gastric adenocarcinoma (HDGC). Also called: DIFFUSE GASTRIC AND LOBULAR BREAST CANCER SYNDROME. Identifiers: Orphanet 26106, MedGen C1708349, MONDO:0007648, OMIM 137215.

Allele frequency attached by ClinVar (database versions not stated): gnomAD exomes below 0.00001 and 0.00001.
gnomAD v4.1: 11 of 1,614,232 alleles (0.00068%); highest among the groups gnomAD compares: Non-Finnish European, 0.00093%; no homozygotes.

Submissions (4):

Labcorp Genetics (formerly Invitae), Labcorp
Classification: Uncertain significance for Hereditary diffuse gastric adenocarcinoma. Last evaluated: 2025-10-20. Review status: criteria provided, single submitter. Criteria: Invitae Variant Classification Sherloc (09022015). Collection method: clinical testing. Allele origin: germline.
Comment: This sequence change replaces arginine, which is basic and polar, with threonine, which is neutral and polar, at codon 492 of the CDH1 protein (p.Arg492Thr). This variant is present in population databases (rs587781286, gnomAD 0.0009%). This variant has not been reported in the literature in individuals affected with CDH1-related conditions. ClinVar contains an entry for this variant (Variation ID: 140798). An algorithm developed to predict the effect of missense changes on protein structure and function (PolyPhen-2) suggests that this variant is likely to be tolerated. In summary, the available evidence is currently insufficient to determine the role of this variant in disease. Therefore, it has been classified as a Variant of Uncertain Significance.

Ambry Genetics
Classification: Likely benign for Hereditary cancer-predisposing syndrome. Last evaluated: 2023-03-03. Review status: criteria provided, single submitter. Criteria: Ambry Variant Classification Scheme 2023. Collection method: clinical testing. Allele origin: germline.

GeneDx
Classification: Uncertain significance. Last evaluated: 2019-11-15. Review status: criteria provided, single submitter. Criteria: GeneDx Variant Classification Process June 2021. Collection method: clinical testing. Allele origin: germline. Affected: yes.
Comment: Not observed at a significant frequency in large population cohorts (Lek 2016); In silico analysis, which includes protein predictors and evolutionary conservation, supports that this variant does not alter protein structure/function; Observed in an individual undergoing hereditary cancer panel testing (Mauer 2014); This variant is associated with the following publications: (PMID: 24113346)

Color Diagnostics, LLC DBA Color Health
Classification: Uncertain significance for Hereditary cancer-predisposing syndrome. Last evaluated: 2019-04-04. Review status: criteria provided, single submitter. Criteria: ACMG Guidelines, 2015. Collection method: clinical testing. Allele origin: germline.

Literature cited by the submitters: PubMed 24113346 (cited by Ambry Genetics).

NM_004360.5(CDH1):c.1475G>C (p.Arg492Thr)

Gene: CDH1 (cadherin 1; plus strand). Cytogenetic location: 16q22.1.
Variant type: single nucleotide variant.
Coding change: c.1475G>C on transcript NM_004360.5 (MANE Select); coding-DNA position 1475, G replaced by C.
Protein change: p.Arg492Thr; replaces arginine 492 with threonine.
Molecular consequence: missense variant. On other transcripts: 5 prime UTR variant (2).
Genome position (GRCh38, 1-based): chr16:68,815,669, G>C. VCF-style: chr16-68815669-G-C. GRCh37 (hg19) VCF-style: chr16-68849572-G-C.
Other names: p.R492T:AGA>ACA; c.1475G>C (LRG_301t1); c.1292G>C, p.Arg431Thr (NM_001317184.2); c.-74G>C (NM_001317185.2); c.-345G>C (NM_001317186.2); short protein forms R492T, R431T.
Identifiers: ClinVar variation 140798 (VCV000140798.18), dbSNP rs587781286, ClinGen allele CA293926.